The following is an entry in ClinVar:

NM_000535.7(PMS2):c.1486C>A (p.His496Asn)

Gene: PMS2 (PMS1 homolog 2, mismatch repair system component; minus strand). Cytogenetic location: 7p22.1.
Variant type: single nucleotide variant.
Coding change: c.1486C>A on transcript NM_000535.7 (MANE Select); coding-DNA position 1486, C replaced by A.
Protein change: p.His496Asn; replaces histidine 496 with asparagine.
Molecular consequence: missense variant. On other transcripts: non-coding transcript variant (1).
Genome position (GRCh38, 1-based): chr7:5,987,279, G>T on the plus strand (C>A on the coding strand, the complement: PMS2 is on the minus strand). VCF-style: chr7-5987279-G-T. GRCh37 (hg19) VCF-style: chr7-6026910-G-T.
Other names: c.1081C>A, p.His361Asn (NM_001322003.2, NM_001322004.2, NM_001322005.2 and 1 more transcripts); c.1330C>A, p.His444Asn (NM_001322006.2); c.1168C>A, p.His390Asn (NM_001322007.2, NM_001322008.2); c.925C>A, p.His309Asn (NM_001322010.2); c.553C>A, p.His185Asn (NM_001322011.2, NM_001322012.2); c.913C>A, p.His305Asn (NM_001322013.2); c.1486C>A, p.His496Asn (NM_001322014.2); c.1177C>A, p.His393Asn (NM_001322015.2); short protein forms H185N, H305N, H309N, H361N, H390N, H393N, H444N, H496N.
Identifiers: ClinVar variation 1026888 (VCV001026888.8), dbSNP rs1783075126, ClinGen allele CA366741815.

ClinVar aggregate classification (germline): Uncertain significance (1 of 4 stars; one submission).

Conditions:
Hereditary nonpolyposis colorectal neoplasms. Identifiers: MedGen C0009405, MeSH D003123.

Submission:

Labcorp Genetics (formerly Invitae), Labcorp
Classification: Uncertain significance for Hereditary nonpolyposis colorectal neoplasms. Last evaluated: 2020-03-10. Review status: criteria provided, single submitter. Criteria: Invitae Variant Classification Sherloc (09022015). Collection method: clinical testing. Allele origin: germline.
Comment: In summary, the available evidence is currently insufficient to determine the role of this variant in disease. Therefore, it has been classified as a Variant of Uncertain Significance. Algorithms developed to predict the effect of missense changes on protein structure and function (SIFT, PolyPhen-2, Align-GVGD) all suggest that this variant is likely to be tolerated, but these predictions have not been confirmed by published functional studies and their clinical significance is uncertain. This sequence change replaces histidine with asparagine at codon 496 of the PMS2 protein (p.His496Asn). The histidine residue is weakly conserved and there is a small physicochemical difference between histidine and asparagine. This variant is not present in population databases (ExAC no frequency). This variant has not been reported in the literature in individuals with PMS2-related conditions.